The following is an entry in ClinVar:

NM_173543.3(DZIP1L):c.1739A>G (p.His580Arg)

Gene: DZIP1L (DAZ interacting zinc finger protein 1 like; minus strand). Cytogenetic location: 3q22.3.
Variant type: single nucleotide variant.
Coding change: c.1739A>G on transcript NM_173543.3 (MANE Select); coding-DNA position 1739, A replaced by G.
Protein change: p.His580Arg; replaces histidine 580 with arginine.
Molecular consequence: missense variant.
Genome position (GRCh38, 1-based): chr3:138,068,244, T>C on the plus strand (A>G on the coding strand, the complement: DZIP1L is on the minus strand). VCF-style: chr3-138068244-T-C. GRCh37 (hg19) VCF-style: chr3-137787086-T-C.
Other names: c.1739A>G (NM_173543.2); short protein forms H580R.
Identifiers: ClinVar variation 2199852 (VCV002199852.7), dbSNP rs199894224, ClinGen allele CA2634819.

ClinVar aggregate classification (germline): Benign/Likely benign. Review status: criteria provided, multiple submitters, no conflicts (2 of 4 stars). 3 submissions from 3 submitters: Benign (1); Likely benign (1). 1 of the submissions does not count toward it. Last evaluated 2025-12-01.

Conditions:
DZIP1L-related disorder. Also called: DZIP1L-related condition.

Allele frequency attached by ClinVar (database versions not stated): gnomAD 0.00030; TOPMed 0.00042; ExAC 0.00055; 1000 Genomes Project 0.00160; 1000 Genomes Project 30x 0.00187.
gnomAD v4.1: 240 of 1,591,646 alleles (0.015%); highest among the groups gnomAD compares: East Asian, 0.41%; 2 homozygotes.

Submissions (3):

Labcorp Genetics (formerly Invitae), Labcorp
Classification: Benign. Last evaluated: 2025-12-01. Review status: criteria provided, single submitter. Criteria: Invitae Variant Classification Sherloc (09022015). Collection method: clinical testing. Allele origin: germline.

Blueprint Genetics
Classification: Likely benign. Last evaluated: 2024-10-11. Review status: criteria provided, single submitter. Criteria: ACMG Guidelines, 2015. Collection method: clinical testing. Allele origin: germline.

PreventionGenetics, part of Exact Sciences
Classification: Likely benign for DZIP1L-related condition. Last evaluated: 2020-06-22. Review status: no assertion criteria provided. Collection method: clinical testing. Allele origin: germline. Not counted in ClinVar's aggregate classification.
Comment: This variant is classified as likely benign based on ACMG/AMP sequence variant interpretation guidelines (Richards et al. 2015 PMID: 25741868, with internal and published modifications).